The following is an entry in ClinVar:

ClinVar aggregate classification (germline): Uncertain significance (1 of 4 stars; one submission).

Conditions:
Rhabdoid tumor predisposition syndrome 2 (RTPS2). Identifiers: Orphanet 231108, Orphanet 69077, MedGen C2750074, MONDO:0013224, OMIM 613325.

Submission:

Labcorp Genetics (formerly Invitae), Labcorp
Classification: Uncertain significance for Rhabdoid tumor predisposition syndrome 2. Last evaluated: 2022-03-13. Review status: criteria provided, single submitter. Criteria: Invitae Variant Classification Sherloc (09022015). Collection method: clinical testing. Allele origin: germline.
Comment: This variant is not present in population databases (gnomAD no frequency). In summary, the available evidence is currently insufficient to determine the role of this variant in disease. Therefore, it has been classified as a Variant of Uncertain Significance. Algorithms developed to predict the effect of missense changes on protein structure and function are either unavailable or do not agree on the potential impact of this missense change (SIFT: "Deleterious"; PolyPhen-2: "Benign"; Align-GVGD: "Class C15"). This variant has not been reported in the literature in individuals affected with SMARCA4-related conditions. This sequence change replaces glutamic acid, which is acidic and polar, with glycine, which is neutral and non-polar, at codon 659 of the SMARCA4 protein (p.Glu659Gly).

NM_003072.5(SMARCA4):c.1976A>G (p.Glu659Gly)

Gene: SMARCA4 (SWI/SNF related BAF chromatin remodeling complex subunit ATPase 4; plus strand). Cytogenetic location: 19p13.2.
Variant type: single nucleotide variant.
Coding change: c.1976A>G on transcript NM_003072.5 (MANE Select); coding-DNA position 1976, A replaced by G.
Protein change: p.Glu659Gly; replaces glutamic acid 659 with glycine.
Molecular consequence: missense variant. On other transcripts: non-coding transcript variant (1).
Genome position (GRCh38, 1-based): chr19:11,003,372, A>G. VCF-style: chr19-11003372-A-G. GRCh37 (hg19) VCF-style: chr19-11114048-A-G.
Other names: c.1976A>G, p.Glu659Gly (NM_001128844.3, NM_001128845.2, NM_001128846.2 and 6 more transcripts); short protein forms E659G.
Identifiers: ClinVar variation 2110662 (VCV002110662.4), dbSNP rs2514466867, ClinGen allele CA404052198.